The following is an entry in ClinVar:

NM_001353345.2(SETD1B):c.5374C>A (p.Arg1792=)

Gene: SETD1B (SET domain containing 1B, histone lysine methyltransferase; plus strand). Cytogenetic location: 12q24.31.
Variant type: single nucleotide variant.
Coding change: c.5374C>A on transcript NM_001353345.2 (MANE Select); coding-DNA position 5374, C replaced by A.
Protein change: p.Arg1792=; no amino-acid change (arginine 1792 retained).
Molecular consequence: synonymous variant.
Genome position (GRCh38, 1-based): chr12:121,827,555, C>A. VCF-style: chr12-121827555-C-A. GRCh37 (hg19) VCF-style: chr12-122265461-C-A.
Identifiers: ClinVar variation 2643483 (VCV002643483.24), dbSNP rs183137751, ClinGen allele CA6839284.

ClinVar aggregate classification (germline): Benign (1 of 4 stars; one submission).

Allele frequency attached by ClinVar (database versions not stated): gnomAD exomes 0.00006; gnomAD 0.00010; TOPMed 0.00014; ExAC 0.00018; 1000 Genomes Project 0.00060; 1000 Genomes Project 30x 0.00078.

Submission:

CeGaT Center for Human Genetics Tuebingen
Classification: Benign. Last evaluated: 2022-10-01. Review status: criteria provided, single submitter. Criteria: CeGaT Center For Human Genetics Tuebingen Variant Classification Criteria Version 2. Collection method: clinical testing. Allele origin: germline. Affected: yes. Observed: 1 variant allele.
Comment: SETD1B: BS1, BS2